The following is an entry in ClinVar:

ClinVar aggregate classification (germline): Uncertain significance (1 of 4 stars; one submission).

Allele frequency attached by ClinVar (database versions not stated): gnomAD exomes 0.00002; TOPMed 0.00002; gnomAD 0.00001; ExAC 0.00002; ESP Exome Variant Server 0.00008.
gnomAD v4.1: 36 of 1,613,858 alleles (0.0022%); highest among the groups gnomAD compares: South Asian, 0.0055%; no homozygotes.

Submission:

Labcorp Genetics (formerly Invitae), Labcorp
Classification: Uncertain significance. Last evaluated: 2025-05-05. Review status: criteria provided, single submitter. Criteria: Invitae Variant Classification Sherloc (09022015). Collection method: clinical testing. Allele origin: germline.
Comment: This sequence change replaces glutamic acid, which is acidic and polar, with lysine, which is basic and polar, at codon 264 of the VCAN protein (p.Glu264Lys). This variant is present in population databases (rs375175600, gnomAD 0.01%). This variant has not been reported in the literature in individuals affected with VCAN-related conditions. ClinVar contains an entry for this variant (Variation ID: 2972018). An algorithm developed to predict the effect of missense changes on protein structure and function outputs the following: PolyPhen-2: "Possibly Damaging". The lysine amino acid residue is found in multiple mammalian species, which suggests that this missense change does not adversely affect protein function. In summary, the available evidence is currently insufficient to determine the role of this variant in disease. Therefore, it has been classified as a Variant of Uncertain Significance.

NM_004385.5(VCAN):c.790G>A (p.Glu264Lys)

Gene: VCAN (versican; plus strand). Cytogenetic location: 5q14.3.
Variant type: single nucleotide variant.
Coding change: c.790G>A on transcript NM_004385.5 (MANE Select); coding-DNA position 790, G replaced by A.
Protein change: p.Glu264Lys; replaces glutamic acid 264 with lysine.
Molecular consequence: missense variant.
Genome position (GRCh38, 1-based): chr5:83,512,144, G>A. VCF-style: chr5-83512144-G-A. GRCh37 (hg19) VCF-style: chr5-82807963-G-A.
Other names: c.790G>A, p.Glu264Lys (NM_001126336.3, NM_001164097.2, NM_001164098.2); short protein forms E264K.
Identifiers: ClinVar variation 2972018 (VCV002972018.3), dbSNP rs375175600, ClinGen allele CA3332533.